The following is an entry in ClinVar:

ClinVar aggregate classification (germline): Likely benign (1 of 4 stars; one submission).

Allele frequency attached by ClinVar (database versions not stated): 1000 Genomes Project 30x 0.00031; 1000 Genomes Project 0.00040; TOPMed 0.00209; gnomAD 0.00313; ExAC 0.00391; gnomAD exomes 0.00392; ESP Exome Variant Server 0.00400.
gnomAD v4.1: 6,088 of 1,614,202 alleles (0.38%); highest among the groups gnomAD compares: Non-Finnish European, 0.46%; 22 homozygotes.

Submission:

CeGaT Center for Human Genetics Tuebingen
Classification: Likely benign. Last evaluated: 2022-03-01. Review status: criteria provided, single submitter. Criteria: CeGaT Center For Human Genetics Tuebingen Variant Classification Criteria Version 2. Collection method: clinical testing. Allele origin: germline. Affected: yes. Observed: 1 variant allele.
Comment: HYAL4: BP4, BP7

NM_012269.3(HYAL4):c.309A>T (p.Ser103=)

Gene: HYAL4 (hyaluronidase 4; plus strand). Cytogenetic location: 7q31.32.
Variant type: single nucleotide variant.
Coding change: c.309A>T on transcript NM_012269.3 (MANE Select); coding-DNA position 309, A replaced by T.
Protein change: p.Ser103=; no amino-acid change (serine 103 retained).
Molecular consequence: synonymous variant.
Genome position (GRCh38, 1-based): chr7:123,868,582, A>T. VCF-style: chr7-123868582-A-T. GRCh37 (hg19) VCF-style: chr7-123508636-A-T.
Identifiers: ClinVar variation 2657975 (VCV002657975.24), dbSNP rs138492993, ClinGen allele CA4463789.